The following is an entry in ClinVar:

ClinVar aggregate classification (germline): Likely benign (1 of 4 stars; one submission).

gnomAD v4.1: 646 of 1,614,180 alleles (0.04%); highest among the groups gnomAD compares: Non-Finnish European, 0.052%; no homozygotes.

Submission:

CeGaT Center for Human Genetics Tuebingen
Classification: Likely benign. Last evaluated: 2025-05-01. Review status: criteria provided, single submitter. Criteria: CeGaT Center For Human Genetics Tuebingen Variant Classification Criteria Version 2. Collection method: clinical testing. Allele origin: germline. Affected: yes. Observed: 1 variant allele.
Comment: SPEN: BP4

NM_015001.3(SPEN):c.2765C>T (p.Thr922Met)

Gene: SPEN (spen family transcriptional repressor; plus strand). Cytogenetic location: 1p36.13.
Variant type: single nucleotide variant.
Coding change: c.2765C>T on transcript NM_015001.3 (MANE Select); coding-DNA position 2765, C replaced by T.
Protein change: p.Thr922Met; replaces threonine 922 with methionine.
Molecular consequence: missense variant.
Genome position (GRCh38, 1-based): chr1:15,929,005, C>T. VCF-style: chr1-15929005-C-T. GRCh37 (hg19) VCF-style: chr1-16255500-C-T.
Other names: short protein forms T922M.
Identifiers: ClinVar variation 3905028 (VCV003905028.10).